The following is an entry in ClinVar:

NM_000523.4(HOXD13):c.894_896del (p.Asn298del)

Gene: HOXD13 (homeobox D13; plus strand). Cytogenetic location: 2q31.1.
Variant type: Deletion.
Coding change: c.894_896del on transcript NM_000523.4 (MANE Select); coding-DNA positions 894 to 896, 3 bases deleted (CAA; older notation c.894_896delCAA).
Protein change: p.Asn298del; deletes asparagine 298.
Molecular consequence: inframe deletion.
Genome position (GRCh38, 1-based): chr2:176,094,592-176,094,594, CAA deleted; deleting any 3 consecutive bases within chr2:176,094,590-176,094,594 gives the same sequence; the c. name uses the placement nearest the transcript's 3' end. VCF-style (leftmost placement, unchanged base first): chr2-176094589-TAAC-T. GRCh37 (hg19) VCF-style: chr2-176959317-TAAC-T.
Other names: c.894_896delCAA (NM_000523.3); c.894_896del (NM_000523.3); short protein forms N298del.
Identifiers: ClinVar variation 503989 (VCV000503989.15), dbSNP rs749985629, ClinGen allele CA1976702.

ClinVar aggregate classification (germline): Uncertain significance. Review status: criteria provided, multiple submitters, no conflicts (2 of 4 stars). 4 submissions from 4 submitters: Uncertain significance (3). 1 of the submissions does not count toward it. Last evaluated 2026-08-19.

Conditions:
HOXD13-related disorder. Also called: HOXD13-related condition; HOXD13-related disorders.

Submissions (4):

GeneDx
Classification: Uncertain significance. Last evaluated: 2026-08-19. Review status: criteria provided, single submitter. Criteria: GeneDx Variant Classification Process June 2021. Collection method: clinical testing. Allele origin: germline.
Comment: Identified in a patient with features suggestive of synpolydactyly type 1 (SPD1) in published literature (PMID: 37427568); In silico analysis supports a deleterious effect on protein structure/function; In-frame deletion of 1 amino acid(s) in a non-repeat region; This variant is associated with the following publications: (PMID: 37427568)

Labcorp Genetics (formerly Invitae), Labcorp
Classification: Uncertain significance. Last evaluated: 2025-09-29. Review status: criteria provided, single submitter. Criteria: Invitae Variant Classification Sherloc (09022015). Collection method: clinical testing. Allele origin: germline.
Comment: This variant, c.894_896del, results in the deletion of 1 amino acid(s) of the HOXD13 protein (p.Asn298del), but otherwise preserves the integrity of the reading frame. This variant is present in population databases (rs749985629, gnomAD 0.009%). This variant has been observed in individual(s) with clinical features of HOXD13-related conditions (PMID: 37427568; internal data). ClinVar contains an entry for this variant (Variation ID: 503989). Experimental studies and prediction algorithms are not available or were not evaluated, and the functional significance of this variant is currently unknown. In summary, the available evidence is currently insufficient to determine the role of this variant in disease. Therefore, it has been classified as a Variant of Uncertain Significance.

Revvity Omics, Revvity
Classification: Uncertain significance. Last evaluated: 2023-12-27. Review status: criteria provided, single submitter. Criteria: ACMG Guidelines, 2015. Collection method: clinical testing. Allele origin: germline.

PreventionGenetics, part of Exact Sciences
Classification: Uncertain significance for HOXD13-related condition. Last evaluated: 2023-11-22. Review status: no assertion criteria provided. Collection method: clinical testing. Allele origin: germline. Not counted in ClinVar's aggregate classification.
Comment: The HOXD13 c.894_896delCAA variant is predicted to result in an in-frame deletion (p.Asn298del). To our knowledge, this variant has not been reported in the literature. This variant is reported in 0.0087% of alleles in individuals of Latino descent in gnomAD. At this time, the clinical significance of this variant is uncertain due to the absence of conclusive functional and genetic evidence.

Literature cited by the submitters: PubMed 37427568 (cited by Labcorp Genetics (formerly Invitae), Labcorp).